The following is an entry in ClinVar:

ClinVar aggregate classification (germline): Uncertain significance (1 of 4 stars; one submission).

gnomAD v4.1: 1 of 1,614,084 alleles (0.000062%); highest among the groups gnomAD compares: Non-Finnish European, 0.000085%; no homozygotes.

Submission:

Labcorp Genetics (formerly Invitae), Labcorp
Classification: Uncertain significance. Last evaluated: 2024-02-10. Review status: criteria provided, single submitter. Criteria: Invitae Variant Classification Sherloc (09022015). Collection method: clinical testing. Allele origin: germline.
Comment: This sequence change replaces lysine, which is basic and polar, with methionine, which is neutral and non-polar, at codon 254 of the P4HB protein (p.Lys254Met). This variant is not present in population databases (gnomAD no frequency). This variant has not been reported in the literature in individuals affected with P4HB-related conditions. Advanced modeling of protein sequence and biophysical properties (such as structural, functional, and spatial information, amino acid conservation, physicochemical variation, residue mobility, and thermodynamic stability) performed at Invitae indicates that this missense variant is expected to disrupt P4HB protein function with a positive predictive value of 80%. In summary, the available evidence is currently insufficient to determine the role of this variant in disease. Therefore, it has been classified as a Variant of Uncertain Significance.

NM_000918.4(P4HB):c.761A>T (p.Lys254Met)

Gene: P4HB (prolyl 4-hydroxylase subunit beta; minus strand). Cytogenetic location: 17q25.3.
Variant type: single nucleotide variant.
Coding change: c.761A>T on transcript NM_000918.4 (MANE Select); coding-DNA position 761, A replaced by T.
Protein change: p.Lys254Met; replaces lysine 254 with methionine.
Molecular consequence: missense variant.
Genome position (GRCh38, 1-based): chr17:81,847,041, T>A on the plus strand (A>T on the coding strand, the complement: P4HB is on the minus strand). VCF-style: chr17-81847041-T-A. GRCh37 (hg19) VCF-style: chr17-79804917-T-A.
Other names: short protein forms K254M.
Identifiers: ClinVar variation 3682086 (VCV003682086.2).